The following is an entry in ClinVar:

NM_002691.4(POLD1):c.2248A>G (p.Lys750Glu)

Gene: POLD1 (DNA polymerase delta 1, catalytic subunit; plus strand). Cytogenetic location: 19q13.33.
Variant type: single nucleotide variant.
Coding change: c.2248A>G on transcript NM_002691.4 (MANE Select); coding-DNA position 2248, A replaced by G.
Protein change: p.Lys750Glu; replaces lysine 750 with glutamic acid.
Molecular consequence: missense variant. On other transcripts: non-coding transcript variant (1).
Genome position (GRCh38, 1-based): chr19:50,413,519, A>G. VCF-style: chr19-50413519-A-G. GRCh37 (hg19) VCF-style: chr19-50916776-A-G.
Other names: c.2248A>G, p.Lys750Glu (NM_001256849.1); c.2326A>G, p.Lys776Glu (NM_001308632.1); short protein forms K750E, K776E.
Identifiers: ClinVar variation 239276 (VCV000239276.10), dbSNP rs878854533, ClinGen allele CA10583840.

ClinVar aggregate classification (germline): Uncertain significance (1 of 4 stars; one submission).

Conditions:
POLD1-related polyposis and colorectal cancer syndrome (CRCS10). Also called: COLORECTAL CANCER, SUSCEPTIBILITY TO, ON CHROMOSOME 19q; Colorectal cancer 10; Colorectal cancer, susceptibility to, 10. Identifiers: Orphanet 220460, MedGen C2675481, MONDO:0012953, OMIM 612591.

Submission:

Labcorp Genetics (formerly Invitae), Labcorp
Classification: Uncertain significance for POLD1-related polyposis and colorectal cancer syndrome. Last evaluated: 2023-11-24. Review status: criteria provided, single submitter. Criteria: Invitae Variant Classification Sherloc (09022015). Collection method: clinical testing. Allele origin: germline.
Comment: This sequence change replaces lysine, which is basic and polar, with glutamic acid, which is acidic and polar, at codon 750 of the POLD1 protein (p.Lys750Glu). This variant is not present in population databases (gnomAD no frequency). This variant has not been reported in the literature in individuals affected with POLD1-related conditions. ClinVar contains an entry for this variant (Variation ID: 239276). An algorithm developed to predict the effect of missense changes on protein structure and function (PolyPhen-2) suggests that this variant is likely to be disruptive. In summary, the available evidence is currently insufficient to determine the role of this variant in disease. Therefore, it has been classified as a Variant of Uncertain Significance.